The following is an entry in ClinVar:

ClinVar aggregate classification (germline): Uncertain significance (1 of 4 stars; one submission).

gnomAD v4.1: 2 of 1,614,114 alleles (0.00012%); highest among the groups gnomAD compares: Non-Finnish European, 0.00017%; no homozygotes.

Submission:

Labcorp Genetics (formerly Invitae), Labcorp
Classification: Uncertain significance. Last evaluated: 2025-11-27. Review status: criteria provided, single submitter. Criteria: Invitae Variant Classification Sherloc (09022015). Collection method: clinical testing. Allele origin: germline.
Comment: This sequence change affects codon 409 of the KLHL9 mRNA. It is a 'silent' change, meaning that it does not change the encoded amino acid sequence of the KLHL9 protein. This variant is not present in population databases (gnomAD no frequency). This variant has not been reported in the literature in individuals affected with KLHL9-related conditions. In summary, the available evidence is currently insufficient to determine the role of this variant in disease. Therefore, it has been classified as a Variant of Uncertain Significance.

NM_018847.4(KLHL9):c.1227A>G (p.Ala409=)

Gene: KLHL9 (kelch like family member 9; minus strand). Cytogenetic location: 9p21.3.
Variant type: single nucleotide variant.
Coding change: c.1227A>G on transcript NM_018847.4 (MANE Select); coding-DNA position 1227, A replaced by G.
Protein change: p.Ala409=; no amino-acid change (alanine 409 retained).
Molecular consequence: synonymous variant.
Genome position (GRCh38, 1-based): chr9:21,333,633, T>C on the plus strand (A>G on the coding strand, the complement: KLHL9 is on the minus strand). VCF-style: chr9-21333633-T-C. GRCh37 (hg19) VCF-style: chr9-21333632-T-C.
Identifiers: ClinVar variation 4697058 (VCV004697058.1).